The following is an entry in ClinVar:

NM_004415.4(DSP):c.8264dup (p.Ile2756fs)

Gene: DSP (desmoplakin; plus strand). Cytogenetic location: 6p24.3.
Variant type: Duplication.
Coding change: c.8264dup on transcript NM_004415.4 (MANE Select); coding-DNA position 8264, one base duplicated (T; older notation c.8264dupT).
Protein change: p.Ile2756fs; shifts the reading frame from isoleucine 2756.
Molecular consequence: frameshift variant.
Genome position (GRCh38, 1-based): chr6:7,585,526, T duplicated; the last of 2 consecutive T bases (chr6:7,585,525-7,585,526); duplicating either gives the same sequence. VCF-style (leftmost placement, unchanged base first): chr6-7585524-G-GT. GRCh37 (hg19) VCF-style: chr6-7585757-G-GT.
Other names: c.6467dup, p.Ile2157fs (NM_001008844.3); c.6935dup, p.Ile2313fs (NM_001319034.2); short protein forms I2157fs, I2313fs, I2756fs.
Identifiers: ClinVar variation 3075170 (VCV003075170.1), dbSNP rs2533950636, ClinGen allele CA2825001490.

ClinVar aggregate classification (germline): Uncertain significance (1 of 4 stars; one submission).

Conditions:
Arrhythmogenic cardiomyopathy with wooly hair and keratoderma. Also called: PALMOPLANTAR KERATODERMA WITH LEFT VENTRICULAR CARDIOMYOPATHY AND WOOLLY HAIR; Carvajal syndrome; Dilated cardiomyopathy with woolly hair and keratoderma; Arrhythmogenic cardiomyopathy with woolly hair and keratoderma. Identifiers: Orphanet 65282, MedGen C1854063, MONDO:0011581, OMIM 605676.

Submission:

All of Us Research Program, National Institutes of Health
Classification: Uncertain significance for Arrhythmogenic cardiomyopathy with wooly hair and keratoderma. Last evaluated: 2023-12-18. Review status: criteria provided, single submitter. Criteria: ACMG Guidelines, 2015. Collection method: clinical testing. Allele origin: germline. Inheritance: Autosomal dominant inheritance. Observed: 1 variant allele, 1 heterozygote.
Comment: This variant causes insertion of 1 nucleotide in exon 24 of the DSP gene, creating a frameshift and premature translation stop signal in the last exon. This variant is predicted to escape nonsense-mediated decay and be expressed as a truncated protein. Although functional studies have not been reported, this variant is expected to disrupt the plakin repeat domain C (a.a. 2609-2822) and downstream C-terminal sequence, which have been reported to be essential for interaction with intermediate filaments (PMID: 12101406, 12802069, 21756917). To our knowledge, this variant has not been reported in individuals affected with DSP-related disorders in the literature. This variant has not been identified in the general population by the Genome Aggregation Database (gnomAD). Although there is a suspicion for a pathogenic role, the available evidence is insufficient to determine the role of this variant in disease conclusively. Therefore, this variant is classified as a Variant of Uncertain Significance.

This study involves interpretation of variants in research participants for the purpose of population health screening. Participant phenotype was not available at the time of variant classification. Additional details can be found in publication PMID: 35346344, PMCID: PMC8962531

Literature cited by the submitters: PubMed 12101406; PubMed 12802069; PubMed 21756917.